The following is an entry in ClinVar:

NM_000059.4(BRCA2):c.2908G>A (p.Asp970Asn)

Gene: BRCA2 (BRCA2 DNA repair associated; plus strand). Cytogenetic location: 13q13.1.
Variant type: single nucleotide variant.
Coding change: c.2908G>A on transcript NM_000059.4 (MANE Select); coding-DNA position 2908, G replaced by A.
Protein change: p.Asp970Asn; replaces aspartic acid 970 with asparagine.
Molecular consequence: missense variant.
Genome position (GRCh38, 1-based): chr13:32,337,263, G>A. VCF-style: chr13-32337263-G-A. GRCh37 (hg19) VCF-style: chr13-32911400-G-A.
Other names: 3136G>A; short protein forms D970N.
Identifiers: ClinVar variation 37806 (VCV000037806.40), dbSNP rs397507295, ClinGen allele CA016740.

ClinVar aggregate classification (germline): Conflicting classifications of pathogenicity. Review status: criteria provided, conflicting classifications (1 of 4 stars). 13 submissions from 13 submitters: Uncertain significance (7); Likely benign (3). 3 of the submissions do not count toward it. Last evaluated 2025-12-22.

Conditions:
BRCA2-related cancer predisposition. Identifiers: MedGen CN377758, MONDO:0700269.
Breast and/or ovarian cancer. Identifiers: MedGen CN221562.
Hereditary cancer-predisposing syndrome. Also called: Hereditary neoplastic syndrome; Hereditary Cancer Syndrome; Tumor predisposition; Neoplastic Syndromes, Hereditary. Identifiers: Orphanet 140162, MedGen C0027672, MeSH D009386, MONDO:0015356.
Glioma susceptibility 3 (GLM3). Also called: Glioblastoma 3. Identifiers: Orphanet 182067, Orphanet 360, MedGen C2751641, MONDO:0013093, OMIM 613029.
Prostate cancer. Also called: Malignant tumor of prostate. Identifiers: Orphanet 1331, MedGen C0376358, MONDO:0008315, HP:0012125.
Breast-ovarian cancer, familial, susceptibility to, 2 (BROVCA2). Also called: BRCA2 Hereditary Breast and Ovarian Cancer. Identifiers: Orphanet 145, MedGen C2675520, MONDO:0012933, OMIM 612555. Disease mechanism: loss of function.
Wilms tumor 1 (WT1). Also called: Wilms tumor, somatic. Identifiers: Orphanet 654, MedGen CN033288, MONDO:0008679, OMIM 194070.
Medulloblastoma (MDB). Also called: MEDULLOBLASTOMA PREDISPOSITION SYNDROME; Medulloblastoma, somatic. Identifiers: Orphanet 616, MedGen C0025149, MeSH D008527, MONDO:0007959, OMIM 155255, HP:0002885.
Fanconi anemia complementation group D1. Also called: BRCA2-Related Fanconi Anemia. Identifiers: Orphanet 319462, MedGen C1838457, MONDO:0011584, OMIM 605724.
Familial cancer of breast. Also called: Hereditary breast cancer; hereditary breast carcinoma; BREAST CANCER, FAMILIAL. Identifiers: Orphanet 227535, MedGen C0346153, MONDO:0016419, OMIM 114480. Disease mechanism: loss of function.
Pancreatic cancer, susceptibility to, 2. Identifiers: Orphanet 1333, MedGen C3150546, MONDO:0013235, OMIM 613347.
Hereditary breast ovarian cancer syndrome. Also called: Breast and ovarian cancer; Hereditary breast and/or ovarian cancer syndrome; Hereditary breast and ovarian cancer; Hereditary breast and ovarian cancer syndrome; BRCA1- and BRCA2-Associated Hereditary Breast and Ovarian Cancer; Hereditary breast and ovarian cancer syndrome (HBOC). Identifiers: Orphanet 145, MedGen C0677776, MeSH D061325, MONDO:0003582. Disease mechanism: loss of function.
Malignant tumor of breast. Also called: Cancer breast; Malignant breast neoplasm. Identifiers: MedGen C0006142, MONDO:0007254. Disease mechanism: loss of function.

Allele frequency attached by ClinVar (database versions not stated): gnomAD 0.00001; TOPMed 0.00001; ExAC 0.00001; gnomAD exomes 0.00001.
gnomAD v4.1: 7 of 1,611,872 alleles (0.00043%); highest among the groups gnomAD compares: Non-Finnish European, 0.00059%; no homozygotes.

Submissions (13):

Labcorp Genetics (formerly Invitae), Labcorp
Classification: Likely benign for Hereditary breast ovarian cancer syndrome. Last evaluated: 2025-12-22. Review status: criteria provided, single submitter. Criteria: Invitae Variant Classification Sherloc (09022015). Collection method: clinical testing. Allele origin: germline.

Color Diagnostics, LLC DBA Color Health
Classification: Uncertain significance for Hereditary cancer-predisposing syndrome. Last evaluated: 2025-07-15. Review status: criteria provided, single submitter. Criteria: ACMG Guidelines, 2015. Collection method: clinical testing. Allele origin: germline.
Comment: This missense variant replaces aspartic acid with asparagine at codon 970 of the BRCA2 protein. Computational prediction suggests that this variant may not impact protein structure and function. To our knowledge, functional studies have not been reported for this variant. This variant has not been reported in individuals affected with BRCA2-related disorders in the literature. This variant has been identified in 3/248956 chromosomes in the general population by the Genome Aggregation Database (gnomAD). The available evidence is insufficient to determine the role of this variant in disease conclusively. Therefore, this variant is classified as a Variant of Uncertain Significance.

Quest Diagnostics Nichols Institute San Juan Capistrano
Classification: Uncertain significance. Last evaluated: 2025-06-02. Review status: criteria provided, single submitter. Criteria: Quest Diagnostics criteria. Collection method: clinical testing. Allele origin: unknown.
Comment: The BRCA2 c.2908G>A (p.Asp970Asn) variant has been reported in the published literature in an individual with ovarian cancer (PMID: 27767231 (2017)) and is described as being located in a region of BRCA2 that is tolerant to missense sequence changes (PMID: 31911673 (2020)). The frequency of this variant in the general population (Genome Aggregation Database) is uninformative in the assessment of its pathogenicity. Analysis of this variant using bioinformatics tools for the prediction of the effect of amino acid changes on protein structure and function yielded predictions that this variant is benign. Based on the available information, we are unable to determine the clinical significance of this variant.

All of Us Research Program, National Institutes of Health
Classification: Uncertain significance for BRCA2-related cancer predisposition. Last evaluated: 2024-08-06. Review status: criteria provided, single submitter. Criteria: ACMG Guidelines, 2015. Collection method: clinical testing. Allele origin: germline. Inheritance: Autosomal dominant inheritance. Observed: 7 variant alleles, 7 heterozygotes.
Comment: This missense variant replaces aspartic acid with asparagine at codon 970 of the BRCA2 protein. Computational prediction suggests that this variant may not impact protein structure and function (internally defined REVEL score threshold <= 0.5, PMID: 27666373). Splice site prediction tools suggest that this variant may not impact RNA splicing. To our knowledge, functional studies have not been performed for this variant. This variant has not been reported in individuals affected with hereditary cancer in the literature. This variant has been identified in 3/248956 chromosomes in the general population by the Genome Aggregation Database (gnomAD). The available evidence is insufficient to determine the role of this variant in disease conclusively. Therefore, this variant is classified as a Variant of Uncertain Significance.

This study involves interpretation of variants in research participants for the purpose of population health screening. Participant phenotype was not available at the time of variant classification. Additional details can be found in publication PMID: 35346344, PMCID: PMC8962531

Ambry Genetics
Classification: Likely benign for Hereditary cancer-predisposing syndrome. Last evaluated: 2023-12-20. Review status: criteria provided, single submitter. Criteria: Ambry Variant Classification Scheme 2023. Collection method: clinical testing. Allele origin: germline.

GeneDx
Classification: Uncertain significance. Last evaluated: 2023-07-25. Review status: criteria provided, single submitter. Criteria: GeneDx Variant Classification Process June 2021. Collection method: clinical testing. Allele origin: germline. Affected: yes.
Comment: Not observed at significant frequency in large population cohorts (gnomAD); In silico analysis supports that this missense variant has a deleterious effect on protein structure/function; Has not been previously published as pathogenic or benign to our knowledge; Also known as 3136G>A; This variant is associated with the following publications: (PMID: 27767231, 28726806)

University of Washington Department of Laboratory Medicine, University of Washington
Classification: Likely benign for Hereditary cancer-predisposing syndrome. Last evaluated: 2023-03-23. Review status: criteria provided, single submitter. Criteria: Dines et al. (Genet Med. 2020). Collection method: curation. Allele origin: germline.
Comment: Missense variant in a coldspot region where missense variants are very unlikely to be pathogenic (PMID:31911673).

BRCA2 exon 11 coldspot. Reclassification based on statistical prior probability.

Fulgent Genetics
Classification: Uncertain significance for Familial cancer of breast; Medulloblastoma; Familial prostate cancer; Wilms tumor 1; Fanconi anemia complementation group D1; Breast-ovarian cancer, familial, susceptibility to, 2; Glioma susceptibility 3; Pancreatic cancer, susceptibility to, 2. Last evaluated: 2018-10-31. Review status: criteria provided, single submitter. Criteria: ACMG Guidelines, 2015. Collection method: clinical testing. Allele origin: unknown.

CHEO Genetics Diagnostic Laboratory, Children's Hospital of Eastern Ontario
Classification: Uncertain significance for Breast and/or ovarian cancer. Last evaluated: 2017-06-26. Review status: criteria provided, single submitter. Criteria: ACMG Guidelines, 2015. Collection method: clinical testing. Allele origin: germline. Study: Canadian Open Genetics Repository.

Women's Health and Genetics/Laboratory Corporation of America, LabCorp
Classification: Uncertain significance. Last evaluated: 2016-02-19. Review status: criteria provided, single submitter. Criteria: LabCorp Variant Classification Summary - May 2015. Collection method: clinical testing. Allele origin: germline.

Foulkes Cancer Genetics LDI, Lady Davis Institute for Medical Research
Classification: Uncertain significance for Breast and/or ovarian cancer. Last evaluated: 2013-02-28. Review status: no assertion criteria provided. Collection method: clinical testing. Allele origin: germline. Study: The Canadian Open Genetics Repository (COGR). Not counted in ClinVar's aggregate classification.

Sharing Clinical Reports Project (SCRP)
Classification: Uncertain significance for Breast-ovarian cancer, familial 2. Last evaluated: 2008-07-15. Review status: no assertion criteria provided. Collection method: clinical testing. Allele origin: germline. Not counted in ClinVar's aggregate classification.

Department of Pathology and Laboratory Medicine, Sinai Health System
Classification: Uncertain significance for Malignant tumor of breast. Review status: no assertion criteria provided. Collection method: clinical testing. Allele origin: unknown. Affected: yes. Study: The Canadian Open Genetics Repository (COGR). Not counted in ClinVar's aggregate classification.
Comment: The BRCA2 p.Asp970Asn variant was not identified in the literature. The variant was identified in dbSNP (ID: rs397507295) â€šÃ„ÃºWith uncertain significance alleleâ€šÃ„Ã¹, the Clinvitae database (3X as with uncertain significance), the ClinVar database (classified as an uncertain significance variant by Ambry Genetics, Invitae and SCRP), and the GeneInsight COGR database (as an unclassified variant). The variant was also found in the Exome Aggregation Consortium (ExAC) database in 1 of 66340 European (Non-Finnish) individuals (frequency: 1.51E-05) although this low number of observations and low frequency is not substantive enough to determine the prevalence of the variant in the general population and its relationship to disease. The variant was also identified by our laboratory in 5 individuals with hereditary breast and ovarian cancer. The variant was not found in the following databases: NHLBI Exome Sequencing Project (Exome Variant Server), LOVD, ARUP Laboratories BRCA Mutations Database (classification), COSMIC, the BIC database, and UMD. The p.Asp970 residue is not conserved in mammals, increasing the likelihood that this variant does not have clinical significance. In addition, four out of five computational analyses (PolyPhen-2, SIFT, AlignGVGD, BLOSUM, MutationTaster) do not suggest a high likelihood of impact to the protein. However, this information is not predictive enough to rule out pathogenicity. The variant occurs outside of the splicing consensus sequence and in silico or computational prediction software programs (SpliceSiteFinder, MaxEntScan, NNSPLICE, GeneSplicer, HumanSpliceFinder) do not predict a difference in splicing. In summary, based on the above information, the clinical significance of this variant cannot be determined with certainty at this time. This variant is classified as a variant of unknown significance.

Literature cited by the submitters: PubMed 27767231 (cited by Quest Diagnostics Nichols Institute San Juan Capistrano); PubMed 28726806 (cited by Quest Diagnostics Nichols Institute San Juan Capistrano); PubMed 31911673 (cited by Quest Diagnostics Nichols Institute San Juan Capistrano).